The following is an entry in ClinVar:

ClinVar aggregate classification (germline): Likely pathogenic (1 of 4 stars; one submission).

Submission:

Labcorp Genetics (formerly Invitae), Labcorp
Classification: Likely pathogenic. Last evaluated: 2026-01-12. Review status: criteria provided, single submitter. Criteria: Invitae Variant Classification Sherloc (09022015). Collection method: clinical testing. Allele origin: germline.
Comment: This sequence change affects an acceptor splice site in intron 9 of the UNC80 gene. It is expected to disrupt RNA splicing. Variants that disrupt the donor or acceptor splice site typically lead to a loss of protein function (PMID: 16199547), and loss-of-function variants in UNC80 are known to be pathogenic (PMID: 26545877, 26708751, 26708753). This variant is not present in population databases (gnomAD no frequency). This variant has not been reported in the literature in individuals affected with UNC80-related conditions. Algorithms developed to predict the effect of sequence changes on RNA splicing suggest that this variant may disrupt the consensus splice site. In summary, the currently available evidence indicates that the variant is pathogenic, but additional data are needed to prove that conclusively. Therefore, this variant has been classified as Likely Pathogenic.

Literature cited by the submitters: PubMed 16199547; PubMed 26545877; PubMed 26708751; PubMed 26708753.

NM_001371986.1(UNC80):c.1336-2A>T

Gene: UNC80 (unc-80 subunit of NALCN channel complex; plus strand). Cytogenetic location: 2q34.
Variant type: single nucleotide variant.
Coding change: c.1336-2A>T on transcript NM_001371986.1 (MANE Select); the canonical splice acceptor site of the intron before coding-DNA position 1336, A replaced by T.
Molecular consequence: splice acceptor variant.
Genome position (GRCh38, 1-based): chr2:209,816,907, A>T. VCF-style: chr2-209816907-A-T. GRCh37 (hg19) VCF-style: chr2-210681631-A-T.
Other names: c.1336-2A>T (NM_032504.2, NM_182587.4).
Identifiers: ClinVar variation 4735242 (VCV004735242.1).